The following is an entry in ClinVar:

ClinVar aggregate classification (germline): Uncertain significance (1 of 4 stars; one submission).

Conditions:
Hereditary cancer-predisposing syndrome. Also called: Neoplastic Syndromes, Hereditary; Tumor predisposition; Hereditary Cancer Syndrome; Hereditary neoplastic syndrome. Identifiers: Orphanet 140162, MedGen C0027672, MeSH D009386, MONDO:0015356.

Allele frequency attached by ClinVar (database versions not stated): gnomAD exomes below 0.00001.
gnomAD v4.1: 1 of 1,614,192 alleles (0.000062%); highest among the groups gnomAD compares: Non-Finnish European, 0.000085%; no homozygotes.

Submission:

Ambry Genetics
Classification: Uncertain significance for Hereditary cancer-predisposing syndrome. Last evaluated: 2025-06-08. Review status: criteria provided, single submitter. Criteria: Ambry Variant Classification Scheme 2023. Collection method: clinical testing. Allele origin: germline.
Comment: The p.E1162G variant (also known as c.3485A>G), located in coding exon 21 of the TSC1 gene, results from an A to G substitution at nucleotide position 3485. The glutamic acid at codon 1162 is replaced by glycine, an amino acid with similar properties. This amino acid position is well conserved in available vertebrate species. In addition, the in silico prediction for this alteration is inconclusive. Since supporting evidence is limited at this time, the clinical significance of this alteration remains unclear.

NM_000368.5(TSC1):c.3485A>G (p.Glu1162Gly)

Gene: TSC1 (TSC complex subunit 1; minus strand). Cytogenetic location: 9q34.13.
Variant type: single nucleotide variant.
Coding change: c.3485A>G on transcript NM_000368.5 (MANE Select); coding-DNA position 3485, A replaced by G.
Protein change: p.Glu1162Gly; replaces glutamic acid 1162 with glycine.
Molecular consequence: missense variant.
Genome position (GRCh38, 1-based): chr9:132,896,245, T>C on the plus strand (A>G on the coding strand, the complement: TSC1 is on the minus strand). VCF-style: chr9-132896245-T-C. GRCh37 (hg19) VCF-style: chr9-135771632-T-C.
Other names: c.3485A>G, p.Glu1162Gly (NM_001406593.1, NM_001406592.1, NM_001406594.1 and 2 more transcripts); c.3332A>G, p.Glu1111Gly (NM_001162427.2, NM_001406610.1); c.3122A>G, p.Glu1041Gly (NM_001362177.2, NM_001406614.1, NM_001406615.1 and 4 more transcripts); c.3482A>G, p.Glu1161Gly (NM_001162426.2, NM_001406597.1, NM_001406598.1 and 2 more transcripts); c.3470A>G, p.Glu1157Gly (NM_001406601.1, NM_001406602.1); c.3467A>G, p.Glu1156Gly (NM_001406603.1, NM_001406604.1); c.3443A>G, p.Glu1148Gly (NM_001406605.1, NM_001406606.1, NM_001406607.1); c.3440A>G, p.Glu1147Gly (NM_001406608.1, NM_001406609.1); and 8 more; short protein forms E1026G, E1111G, E1161G, E1040G, E1148G, E1157G, E1162G, E811G.
Identifiers: ClinVar variation 1731871 (VCV001731871.4), dbSNP rs1219781302, ClinGen allele CA375366265.